The following is an entry in ClinVar:

NM_002335.4(LRP5):c.1328C>A (p.Thr443Lys)

Gene: LRP5 (LDL receptor related protein 5; plus strand). Cytogenetic location: 11q13.2.
Variant type: single nucleotide variant.
Coding change: c.1328C>A on transcript NM_002335.4 (MANE Select); coding-DNA position 1328, C replaced by A.
Protein change: p.Thr443Lys; replaces threonine 443 with lysine.
Molecular consequence: missense variant. On other transcripts: 5 prime UTR variant (1).
Genome position (GRCh38, 1-based): chr11:68,386,628, C>A. VCF-style: chr11-68386628-C-A. GRCh37 (hg19) VCF-style: chr11-68154096-C-A.
Other names: c.-438C>A (NM_001291902.2); short protein forms T443K.
Identifiers: ClinVar variation 1309030 (VCV001309030.3), dbSNP rs200416179, ClinGen allele CA381612716.

ClinVar aggregate classification (germline): Uncertain significance. Review status: criteria provided, multiple submitters, no conflicts (2 of 4 stars). 2 submissions from 2 submitters: Uncertain significance (2). Last evaluated 2025-06-01.

gnomAD v4.1: 1 of 1,613,596 alleles (0.000062%); highest among the groups gnomAD compares: Non-Finnish European, 0.000085%; no homozygotes.

Submissions (2):

Labcorp Genetics (formerly Invitae), Labcorp
Classification: Uncertain significance. Last evaluated: 2025-06-01. Review status: criteria provided, single submitter. Criteria: Invitae Variant Classification Sherloc (09022015). Collection method: clinical testing. Allele origin: germline.
Comment: This sequence change replaces threonine, which is neutral and polar, with lysine, which is basic and polar, at codon 443 of the LRP5 protein (p.Thr443Lys). This variant is not present in population databases (gnomAD no frequency). This variant has not been reported in the literature in individuals affected with LRP5-related conditions. ClinVar contains an entry for this variant (Variation ID: 1309030). Invitae Evidence Modeling of protein sequence and biophysical properties (such as structural, functional, and spatial information, amino acid conservation, physicochemical variation, residue mobility, and thermodynamic stability) has been performed for this missense variant. However, the output from this modeling did not meet the statistical confidence thresholds required to predict the impact of this variant on LRP5 protein function. In summary, the available evidence is currently insufficient to determine the role of this variant in disease. Therefore, it has been classified as a Variant of Uncertain Significance.

GeneDx
Classification: Uncertain significance. Last evaluated: 2021-01-25. Review status: criteria provided, single submitter. Criteria: GeneDx Variant Classification Process June 2021. Collection method: clinical testing. Allele origin: germline. Affected: yes.
Comment: Not observed in large population cohorts (Lek et al., 2016); In silico analysis supports that this missense variant has a deleterious effect on protein structure/function; Has not been previously published as pathogenic or benign to our knowledge